The following is an entry in ClinVar:

ClinVar aggregate classification (germline): Likely benign. Review status: criteria provided, multiple submitters, no conflicts (2 of 4 stars). 6 submissions from 4 submitters: Likely benign (5). 1 of the submissions does not count toward it. Last evaluated 2023-06-30.

Conditions:
GLI3-related disorder. Also called: GLI3-related condition; GLI3-related disorders. Identifiers: MedGen CN239292.
Pallister-Hall syndrome (PHS). Also called: HYPOTHALAMIC HAMARTOBLASTOMA, HYPOPITUITARISM, IMPERFORATE ANUS, AND POSTAXIAL POLYDACTYLY; GLI3-Related Pallister-Hall Syndrome. Identifiers: Orphanet 672, MedGen C0265220, MONDO:0007804, OMIM 146510.
Greig cephalopolysyndactyly syndrome (GCPS). Also called: POLYSYNDACTYLY WITH PECULIAR SKULL SHAPE; Greig syndrome; GLI3-Related Greig Cephalopolysyndactyly Syndrome. Identifiers: Orphanet 380, MedGen C0265306, MONDO:0008287, OMIM 175700.
Polydactyly. Also called: polydactylism. Identifiers: MedGen C0152427, MONDO:0021003, OMIM 603596, HP:0010442.

Allele frequency attached by ClinVar (database versions not stated): gnomAD 0.00004; ESP Exome Variant Server 0.00015.
gnomAD v4.1: 75 of 1,611,534 alleles (0.0047%); highest among the groups gnomAD compares: Middle Eastern, 0.23%; no homozygotes.

Submissions (6):

Labcorp Genetics (formerly Invitae), Labcorp
Classification: Likely benign for Pallister-Hall syndrome; Greig cephalopolysyndactyly syndrome. Last evaluated: 2023-06-30. Review status: criteria provided, single submitter. Criteria: Invitae Variant Classification Sherloc (09022015). Collection method: clinical testing. Allele origin: germline.

Illumina Laboratory Services, Illumina
Classification: Likely benign for Pallister-Hall syndrome. Last evaluated: 2018-01-13. Review status: criteria provided, single submitter. Criteria: ICSL Variant Classification Criteria 13 December 2019. Collection method: clinical testing. Allele origin: germline.
Comment: This variant was observed in the ICSL laboratory as part of a predisposition screen in an ostensibly healthy population. It had not been previously curated by ICSL or reported in the Human Gene Mutation Database (HGMD: prior to June 1st, 2018), and was therefore a candidate for classification through an automated scoring system. Utilizing variant allele frequency, disease prevalence and penetrance estimates, and inheritance mode, an automated score was calculated to assess if this variant is too frequent to cause the disease. Based on the score and internal cut-off values, a variant classified as likely benign is not then subjected to further curation. The score for this variant resulted in a classification of likely benign for this disease.

Illumina Laboratory Services, Illumina
Classification: Likely benign for Greig cephalopolysyndactyly syndrome. Last evaluated: 2018-01-13. Review status: criteria provided, single submitter. Criteria: ICSL Variant Classification Criteria 13 December 2019. Collection method: clinical testing. Allele origin: germline.
Comment: the same text as in the submission from Illumina Laboratory Services, Illumina above.

Illumina Laboratory Services, Illumina
Classification: Likely benign for Polydactyly. Last evaluated: 2018-01-13. Review status: criteria provided, single submitter. Criteria: ICSL Variant Classification Criteria 13 December 2019. Collection method: clinical testing. Allele origin: germline.
Comment: the same text as in the submission from Illumina Laboratory Services, Illumina above.

GeneDx
Classification: Likely benign. Last evaluated: 2017-05-11. Review status: criteria provided, single submitter. Criteria: GeneDx Variant Classification (06012015). Collection method: clinical testing. Allele origin: germline. Affected: yes.
Comment: This variant is considered likely benign or benign based on one or more of the following criteria: it is a conservative change, it occurs at a poorly conserved position in the protein, it is predicted to be benign by multiple in silico algorithms, and/or has population frequency not consistent with disease.

PreventionGenetics, part of Exact Sciences
Classification: Likely benign for GLI3-related condition. Last evaluated: 2023-04-26. Review status: no assertion criteria provided. Collection method: clinical testing. Allele origin: germline. Not counted in ClinVar's aggregate classification.
Comment: This variant is classified as likely benign based on ACMG/AMP sequence variant interpretation guidelines (Richards et al. 2015 PMID: 25741868, with internal and published modifications).

NM_000168.6(GLI3):c.563C>A (p.Ser188Tyr)

Gene: GLI3 (GLI family zinc finger 3; minus strand). Cytogenetic location: 7p14.1.
Variant type: single nucleotide variant.
Coding change: c.563C>A on transcript NM_000168.6 (MANE Select); coding-DNA position 563, C replaced by A.
Protein change: p.Ser188Tyr; replaces serine 188 with tyrosine.
Molecular consequence: missense variant.
Genome position (GRCh38, 1-based): chr7:42,048,607, G>T on the plus strand (C>A on the coding strand, the complement: GLI3 is on the minus strand). VCF-style: chr7-42048607-G-T. GRCh37 (hg19) VCF-style: chr7-42088206-G-T.
Other names: short protein forms S188Y.
Identifiers: ClinVar variation 509379 (VCV000509379.11), dbSNP rs369926331, ClinGen allele CA4231145.